The following is an entry in ClinVar:

ClinVar aggregate classification (germline): Pathogenic (1 of 4 stars; one submission).

Conditions:
Developmental and epileptic encephalopathy, 11 (DEE11). Also called: Early infantile epileptic encephalopathy 11. Identifiers: Orphanet 1934, MedGen C3150987, MONDO:0013388, OMIM 613721.
Complex neurodevelopmental disorder. Identifiers: Orphanet 528084, MedGen C5568766, MONDO:0100038.

Submission:

HudsonAlpha Institute for Biotechnology
Classification: Pathogenic for Developmental and epileptic encephalopathy, 11. Last evaluated: 2014-05-08. Review status: criteria provided, single submitter. Criteria: HA_assertions_20161101. Collection method: research. Allele origin: de novo. Affected: yes. Study: CSER-HudsonAlpha.

NM_001040142.2(SCN2A):c.4726G>A (p.Gly1576Arg)

Gene: SCN2A (sodium voltage-gated channel alpha subunit 2; plus strand). Cytogenetic location: 2q24.3.
Variant type: single nucleotide variant.
Coding change: c.4726G>A on transcript NM_001040142.2 (MANE Select); coding-DNA position 4726, G replaced by A.
Protein change: p.Gly1576Arg; replaces glycine 1576 with arginine.
Molecular consequence: missense variant.
Genome position (GRCh38, 1-based): chr2:165,386,920, G>A. VCF-style: chr2-165386920-G-A. GRCh37 (hg19) VCF-style: chr2-166243430-G-A.
Other names: c.4726G>A, p.Gly1576Arg (NM_001040143.2, NM_001371246.1, NM_001371247.1 and 1 more transcripts); short protein forms G1576R.
Identifiers: ClinVar variation 224078 (VCV000224078.3), dbSNP rs869312664, ClinGen allele CA354201.